The following is an entry in ClinVar:

ClinVar aggregate classification (germline): Uncertain significance (1 of 4 stars; one submission).

Submission:

GeneDx
Classification: Uncertain significance. Last evaluated: 2023-05-31. Review status: criteria provided, single submitter. Criteria: GeneDx Variant Classification Process June 2021. Collection method: clinical testing. Allele origin: germline. Affected: yes.
Comment: Not observed at significant frequency in large population cohorts (gnomAD); Intronic splice site variant in a gene for which loss of function is a known mechanism of disease, and both splice predictors and evolutionary conservation support a deleterious effect, although in the absence of functional evidence the actual effect of this sequence change is unknown.; Has not been previously published as pathogenic or benign to our knowledge

NM_080680.3(COL11A2):c.4429-10_4429-9delinsAA

Gene: COL11A2 (collagen type XI alpha 2 chain; minus strand). Cytogenetic location: 6p21.32.
Variant type: Indel.
Coding change: c.4429-10_4429-9delinsAA on transcript NM_080680.3 (MANE Select); 10 bases into the intron before coding-DNA position 4429 through 9 bases into the intron before coding-DNA position 4429, TC replaced by AA.
Molecular consequence: intron variant.
Genome position (GRCh38, 1-based): chr6:33,165,993-33,165,994, GA replaced by TT on the plus strand (TC replaced by AA on the coding strand, the reverse complement: COL11A2 is on the minus strand). VCF-style: chr6-33165993-GA-TT. GRCh37 (hg19) VCF-style: chr6-33133770-GA-TT.
Other names: c.3403-10_3403-9delinsAA (NM_001424111.1, NM_001424110.1); c.4108-10_4108-9delinsAA (NM_080679.3); c.4171-10_4171-9delinsAA (NM_080681.3); c.4249-10_4249-9delinsAA (NM_001424108.1); c.3583-10_3583-9delinsAA (NM_001424109.1); c.2383-10_2383-9delinsAA (NM_001424112.1).
Identifiers: ClinVar variation 3362198 (VCV003362198.1).